The following is an entry in ClinVar:

NM_002485.5(NBN):c.1851A>C (p.Glu617Asp)

Genes: NBN (nibrin; minus strand), LOC126860438 (MED14-independent group 3 enhancer GRCh37_chr8:90959982-90961181; plus strand). Cytogenetic location: 8q21.3.
Variant type: single nucleotide variant.
Coding change: c.1851A>C on transcript NM_002485.5 (MANE Select); coding-DNA position 1851, A replaced by C.
Protein change: p.Glu617Asp; replaces glutamic acid 617 with aspartic acid.
Molecular consequence: missense variant.
Genome position (GRCh38, 1-based): chr8:89,947,887, T>G on the plus strand (A>C on the coding strand, the complement: NBN is on the minus strand). VCF-style: chr8-89947887-T-G. GRCh37 (hg19) VCF-style: chr8-90960115-T-G.
Other names: c.1605A>C, p.Glu535Asp (NM_001024688.3); short protein forms E535D, E617D.
Identifiers: ClinVar variation 919649 (VCV000919649.11), dbSNP rs1660299603, ClinGen allele CA371677315.

ClinVar aggregate classification (germline): Uncertain significance. Review status: criteria provided, multiple submitters, no conflicts (2 of 4 stars). 5 submissions from 5 submitters: Uncertain significance (5). Last evaluated 2024-10-11.

Conditions:
Hereditary cancer-predisposing syndrome. Also called: Hereditary Cancer Syndrome; Hereditary neoplastic syndrome; Neoplastic Syndromes, Hereditary; Tumor predisposition. Identifiers: Orphanet 140162, MedGen C0027672, MeSH D009386, MONDO:0015356.
Aplastic anemia. Identifiers: Orphanet 182040, Orphanet 88, MedGen C0002874, MONDO:0015909, OMIM 609135, HP:0001915.
Microcephaly, normal intelligence and immunodeficiency (NBS). Also called: Ataxia telangiectasia variant V1; IMMUNODEFICIENCY, MICROCEPHALY, AND CHROMOSOMAL INSTABILITY; SEEMANOVA SYNDROME II; Nijmegen breakage syndrome; Microcephaly with normal intelligence immunodeficiency and lymphoreticular malignancies; Nonsyndromal microcephaly autosomal recessive with normal intelligence. Identifiers: Orphanet 647, MedGen C0398791, MONDO:0009623, OMIM 251260.

Allele frequency attached by ClinVar (database versions not stated): TOPMed 0.00001.

Submissions (5):

Ambry Genetics
Classification: Uncertain significance for Hereditary cancer-predisposing syndrome. Last evaluated: 2024-10-11. Review status: criteria provided, single submitter. Criteria: Ambry Variant Classification Scheme 2023. Collection method: clinical testing. Allele origin: germline.
Comment: The p.E617D variant (also known as c.1851A>C), located in coding exon 12 of the NBN gene, results from an A to C substitution at nucleotide position 1851. The glutamic acid at codon 617 is replaced by aspartic acid, an amino acid with highly similar properties. This amino acid position is conserved. In addition, this alteration is predicted to be tolerated by in silico analysis. Based on the available evidence, the clinical significance of this variant remains unclear.

Quest Diagnostics Nichols Institute San Juan Capistrano
Classification: Uncertain significance. Last evaluated: 2024-07-16. Review status: criteria provided, single submitter. Criteria: Quest Diagnostics criteria. Collection method: clinical testing. Allele origin: unknown.
Comment: The NBN c.1851A>C (p.Glu617Asp) variant has not been reported in individuals with NBN-related conditions in the published literature. It also has not been reported in large, multi-ethnic general populations (Genome Aggregation Database). Analysis of this variant using bioinformatics tools for the prediction of the effect of amino acid changes on protein structure and function yielded predictions that this variant is benign. Based on the available information, we are unable to determine the clinical significance of this variant.

Baylor Genetics
Classification: Uncertain significance for Aplastic anemia. Last evaluated: 2024-01-08. Review status: criteria provided, single submitter. Criteria: ACMG Guidelines, 2015. Collection method: clinical testing. Allele origin: unknown.

Labcorp Genetics (formerly Invitae), Labcorp
Classification: Uncertain significance for Microcephaly, normal intelligence and immunodeficiency. Last evaluated: 2023-10-24. Review status: criteria provided, single submitter. Criteria: Invitae Variant Classification Sherloc (09022015). Collection method: clinical testing. Allele origin: germline.
Comment: This sequence change replaces glutamic acid, which is acidic and polar, with aspartic acid, which is acidic and polar, at codon 617 of the NBN protein (p.Glu617Asp). This variant is not present in population databases (gnomAD no frequency). This variant has not been reported in the literature in individuals affected with NBN-related conditions. ClinVar contains an entry for this variant (Variation ID: 919649). An algorithm developed to predict the effect of missense changes on protein structure and function (PolyPhen-2) suggests that this variant is likely to be tolerated. In summary, the available evidence is currently insufficient to determine the role of this variant in disease. Therefore, it has been classified as a Variant of Uncertain Significance.

Color Diagnostics, LLC DBA Color Health
Classification: Uncertain significance for Hereditary cancer-predisposing syndrome. Last evaluated: 2019-07-01. Review status: criteria provided, single submitter. Criteria: ACMG Guidelines, 2015. Collection method: clinical testing. Allele origin: germline.